The following is an entry in ClinVar:

NM_001267550.2(TTN):c.21002A>G (p.Lys7001Arg)

Genes: TTN (titin; minus strand), LOC126806428 (BRD4-independent group 4 enhancer GRCh37_chr2:179588362-179589561; plus strand). Cytogenetic location: 2q31.2.
Variant type: single nucleotide variant.
Coding change: c.21002A>G on transcript NM_001267550.2 (MANE Select); coding-DNA position 21002, A replaced by G.
Protein change: p.Lys7001Arg; replaces lysine 7001 with arginine.
Molecular consequence: missense variant. On other transcripts: intron variant (3).
Genome position (GRCh38, 1-based): chr2:178,724,373, T>C on the plus strand (A>G on the coding strand, the complement: TTN is on the minus strand). VCF-style: chr2-178724373-T-C. GRCh37 (hg19) VCF-style: chr2-179589100-T-C.
Other names: p.K6684R:AAA>AGA; p.Lys6684Arg; c.20051A>G, p.Lys6684Arg (NM_001256850.1); c.17270A>G, p.Lys5757Arg (NM_133378.4); c.13282+13709A>G (NM_003319.4); c.13858+13709A>G (NM_133437.4); c.13657+13709A>G (NM_133432.3); short protein forms K6684R, K7001R, K5757R.
Identifiers: ClinVar variation 203293 (VCV000203293.31), dbSNP rs200594798, ClinGen allele CA311945.

ClinVar aggregate classification (germline): Conflicting classifications of pathogenicity. Review status: criteria provided, conflicting classifications (1 of 4 stars). 11 submissions from 11 submitters: Uncertain significance (2); Benign (1); Likely benign (5). 3 of the submissions do not count toward it. Last evaluated 2026-01-31.

Conditions:
Autosomal recessive limb-girdle muscular dystrophy type 2J (LGMDR10). Also called: Limb-girdle muscular dystrophy, type 2J; MUSCULAR DYSTROPHY, LIMB-GIRDLE, AUTOSOMAL RECESSIVE 10. Identifiers: Orphanet 140922, MedGen C1837342, MONDO:0012127, OMIM 608807.
Dilated cardiomyopathy 1G (CMD1G). Identifiers: Orphanet 154, MedGen C1858763, MONDO:0011400, OMIM 604145.
Tip-toe gait. Also called: Toe walking. Identifiers: MedGen C0427144, HP:0030051.

Allele frequency attached by ClinVar (database versions not stated): 1000 Genomes Project 30x 0.00016; 1000 Genomes Project 0.00020; gnomAD 0.00066 and 0.00073; TOPMed 0.00079; ExAC 0.00013; gnomAD exomes 0.00018 and 0.00008; ESP Exome Variant Server 0.00066.
gnomAD v4.1: 216 of 1,613,540 alleles (0.013%); highest among the groups gnomAD compares: African/African-American, 0.27%; no homozygotes.

Submissions (11):

Labcorp Genetics (formerly Invitae), Labcorp
Classification: Likely benign for Dilated cardiomyopathy 1G; Autosomal recessive limb-girdle muscular dystrophy type 2J. Last evaluated: 2026-01-31. Review status: criteria provided, single submitter. Criteria: Invitae Variant Classification Sherloc (09022015). Collection method: clinical testing. Allele origin: germline.

Women's Health and Genetics/Laboratory Corporation of America, LabCorp
Classification: Likely benign. Last evaluated: 2026-01-16. Review status: criteria provided, single submitter. Criteria: LabCorp Variant Classification Summary - May 2015. Collection method: clinical testing. Allele origin: germline.
Comment: Variant summary: TTN c.17270A>G (p.Lys5757Arg) results in a conservative amino acid change located in the I-band region of the encoded protein sequence. Algorithms developed to predict the effect of missense changes on protein structure and function are either unavailable or do not agree on the potential impact of this missense change. The variant allele was found at a frequency of 0.00018 in 248682 control chromosomes, predominantly at a frequency of 0.0028 within the African or African-American subpopulation in the gnomAD database. The observed variant frequency within African or African-American control individuals in the gnomAD database exceeds the estimated maximal expected allele frequency for disease-causing variants in TTN. c.17270A>G has been observed in individual(s) affected with Hypertrophic Cardiomyopathy without evidence for causality (Lopes_2013). These report(s) do not provide unequivocal conclusions about association of the variant with Dilated Cardiomyopathy. To our knowledge, no experimental evidence demonstrating an impact on protein function has been reported. The following publication have been ascertained in the context of this evaluation (PMID: 23396983). ClinVar contains an entry for this variant (Variation ID: 203293). Based on the evidence outlined above, the variant was classified as likely benign.

Mayo Clinic Laboratories, Mayo Clinic
Classification: Likely benign. Last evaluated: 2025-05-14. Review status: criteria provided, single submitter. Criteria: ACMG Guidelines, 2015. Collection method: clinical testing. Allele origin: germline. Observed: 1 variant allele.
Comment: BS1, BP4_moderate

Molecular Diagnostic Laboratory for Inherited Cardiovascular Disease, Montreal Heart Institute
Classification: Likely benign. Last evaluated: 2025-04-09. Review status: criteria provided, single submitter. Criteria: ACMG Guidelines, 2015. Collection method: clinical testing. Allele origin: germline. Affected: no.
Comment: BS1;BP1

Athena Diagnostics
Classification: Benign. Last evaluated: 2024-07-05. Review status: criteria provided, single submitter. Criteria: Athena Diagnostics Criteria. Collection method: clinical testing. Allele origin: unknown.

Revvity Omics, Revvity
Classification: Uncertain significance. Last evaluated: 2022-06-13. Review status: criteria provided, single submitter. Criteria: ACMG Guidelines, 2015. Collection method: clinical testing. Allele origin: germline.

GeneDx
Classification: Likely benign. Last evaluated: 2021-06-04. Review status: criteria provided, single submitter. Criteria: GeneDx Variant Classification Process June 2021. Collection method: clinical testing. Allele origin: germline. Affected: yes.
Comment: This variant is associated with the following publications: (PMID: 23396983)

Eurofins Ntd Llc (ga)
Classification: Uncertain significance. Last evaluated: 2018-09-11. Review status: criteria provided, single submitter. Criteria: EGL ClinVar v180209 classification definitions. Collection method: clinical testing. Allele origin: germline. Observed: 5 variant alleles, 5 heterozygotes.

Clinical Genetics DNA and cytogenetics Diagnostics Lab, Erasmus MC, Erasmus Medical Center
Classification: Uncertain significance. Review status: no assertion criteria provided. Collection method: clinical testing. Allele origin: germline. Affected: yes. Study: VKGL Data-share Consensus. Not counted in ClinVar's aggregate classification.

Diagnostic Laboratory, Department of Genetics, University Medical Center Groningen
Classification: Uncertain significance. Review status: no assertion criteria provided. Collection method: clinical testing. Allele origin: germline. Affected: yes. Study: VKGL Data-share Consensus. Not counted in ClinVar's aggregate classification.

Practice for Gait Abnormalities, David Pomarino, Competency Network Toe Walking C/o Practice Pomarino
Classification: Likely pathogenic for Tip-toe gait. Review status: no assertion criteria provided. Collection method: clinical testing. Allele origin: germline. Affected: yes. Not counted in ClinVar's aggregate classification.
Comment: Myopathy refers to diseases that affect skeletal Muscles. These diseases attack muscle fibers, making muscles weak. Inherited myopathies are often caused by inheriting an abnormal gene mutation from a parent that causes the disease. Symptoms of congenital myopathies usually start at birth or in early childhood, but may not appear until the teen years or even later in adulthood. Congenital myopathies are somewhat unique compared with other inherited myopathies, as weakness typically affects all muscles and is often not progressive. Symptoms are: Muscle weakness, most commonly of upper arms and shoulders and thighs, muscle cramps, stiffness and spasms, fatigue with exertion and lack of energy. Our patients all walk on tiptoe, so they show similar symptoms. When we genetically test them with our toe walking panel, we find that around 90 per cent of them have a genetic variant that explains their toe walking. These can be assigned, for example, to the area of myopathies (such as variants of the COL6A3 gene), the area of hereditary neuropathies (such as variants of the KMT2C gene) or the area of metabolic diseases (such as variants of the PYGM gene). In a smaller group of patients with almost identical symptoms, no abnormality is found in the genes of our panel, but spastic paraplegia can be detected. In another small group of our toe walkers, no abnormalities can be detected in the genes analysed in our toe walking panel, nor do they suffer from spastic paraplegia, as is also the case with healthy children. In contrast to these, however, they show a tiptoe gait. These patients suffer from infantile cerebral palsy, in which toe walking can also be observed.

Literature cited by the submitters: PubMed 23396983 (cited by Women's Health and Genetics/Laboratory Corporation of America, LabCorp); PubMed 37091313 (cited by Practice for Gait Abnormalities, David Pomarino, Competency Network Toe Walking C/o Practice Pomarino).